The following is an entry in ClinVar:

ClinVar aggregate classification (germline): Uncertain significance. Review status: criteria provided, multiple submitters, no conflicts (2 of 4 stars). 2 submissions from 2 submitters: Uncertain significance (2). Last evaluated 2024-08-22.

Conditions:
Inborn genetic diseases. Identifiers: MedGen C0950123, MeSH D030342.
Klippel-Feil syndrome 1, autosomal dominant (KFS1). Also called: CERVICAL VERTEBRAL FUSION, AUTOSOMAL DOMINANT. Identifiers: Orphanet 2345, MedGen C1861689, MONDO:0007306, OMIM 118100.
Isolated microphthalmia 4. Identifiers: Orphanet 2542, MedGen C2751307, MONDO:0013130, OMIM 613094.
Leber congenital amaurosis 17 (LCA17). Identifiers: Orphanet 65, MedGen C3715164, MONDO:0014145, OMIM 615360.
Microphthalmia, isolated, with coloboma 6 (MCOPCB6). Also called: Microphthalmia with coloboma 6; MICROPHTHALMIA/COLOBOMA 6; Microphthalmia with coloboma 6, digenic. Identifiers: Orphanet 98938, MedGen C3150968, MONDO:0013376, OMIM 613703.

Allele frequency attached by ClinVar (database versions not stated): gnomAD exomes below 0.00001 and 0.00001; ExAC 0.00001; gnomAD 0.00001; TOPMed 0.00003.

Submissions (2):

Labcorp Genetics (formerly Invitae), Labcorp
Classification: Uncertain significance for Isolated microphthalmia 4; Leber congenital amaurosis 17; Klippel-Feil syndrome 1, autosomal dominant; Microphthalmia, isolated, with coloboma 6. Last evaluated: 2024-08-22. Review status: criteria provided, single submitter. Criteria: Invitae Variant Classification Sherloc (09022015). Collection method: clinical testing. Allele origin: germline.
Comment: This sequence change replaces aspartic acid, which is acidic and polar, with glycine, which is neutral and non-polar, at codon 369 of the GDF6 protein (p.Asp369Gly). This variant is present in population databases (rs774573217, gnomAD 0.006%). This variant has not been reported in the literature in individuals affected with GDF6-related conditions. ClinVar contains an entry for this variant (Variation ID: 1524247). Invitae Evidence Modeling of protein sequence and biophysical properties (such as structural, functional, and spatial information, amino acid conservation, physicochemical variation, residue mobility, and thermodynamic stability) has been performed for this missense variant. However, the output from this modeling did not meet the statistical confidence thresholds required to predict the impact of this variant on GDF6 protein function. In summary, the available evidence is currently insufficient to determine the role of this variant in disease. Therefore, it has been classified as a Variant of Uncertain Significance.

Ambry Genetics
Classification: Uncertain significance for Inborn genetic diseases. Last evaluated: 2024-05-10. Review status: criteria provided, single submitter. Criteria: Ambry Variant Classification Scheme 2023. Collection method: clinical testing. Allele origin: germline.

NM_001001557.4(GDF6):c.1106A>G (p.Asp369Gly)

Gene: GDF6 (growth differentiation factor 6; minus strand). Cytogenetic location: 8q22.1.
Variant type: single nucleotide variant.
Coding change: c.1106A>G on transcript NM_001001557.4 (MANE Select); coding-DNA position 1106, A replaced by G.
Protein change: p.Asp369Gly; replaces aspartic acid 369 with glycine.
Molecular consequence: missense variant.
Genome position (GRCh38, 1-based): chr8:96,144,825, T>C on the plus strand (A>G on the coding strand, the complement: GDF6 is on the minus strand). VCF-style: chr8-96144825-T-C. GRCh37 (hg19) VCF-style: chr8-97157053-T-C.
Other names: c.1106A>G (NM_001001557.2); short protein forms D369G.
Identifiers: ClinVar variation 1524247 (VCV001524247.9), dbSNP rs774573217, ClinGen allele CA4815368.